The following is an entry in ClinVar:

ClinVar aggregate classification (germline): Uncertain significance (1 of 4 stars; one submission).

Submission:

GeneDx
Classification: Uncertain significance. Last evaluated: 2026-07-28. Review status: criteria provided, single submitter. Criteria: GeneDx Variant Classification Process June 2021. Collection method: clinical testing. Allele origin: germline.
Comment: Not observed at significant frequency in large population cohorts (gnomAD); Missense variants in this gene are a common cause of disease and they are underrepresented in the general population; In silico analysis supports that this missense variant has a deleterious effect on protein structure/function; Has not been previously published as pathogenic or benign to our knowledge; This variant is associated with the following publications: (PMID: 25630502)

NM_033337.3(CAV3):c.287C>G (p.Ser96Cys)

Genes: CAV3 (caveolin 3; plus strand), OXTR (oxytocin receptor; minus strand). Cytogenetic location: 3p25.3.
Variant type: single nucleotide variant.
Coding change: c.287C>G on transcript NM_033337.3 (MANE Select); coding-DNA position 287, C replaced by G.
Protein change: p.Ser96Cys; replaces serine 96 with cysteine.
Molecular consequence: missense variant.
Genome position (GRCh38, 1-based): chr3:8,745,698, C>G. VCF-style: chr3-8745698-C-G. GRCh37 (hg19) VCF-style: chr3-8787384-C-G.
Other names: p.S96C:TCC>TGC; c.287C>G, p.Ser96Cys (NM_001234.5); short protein forms S96C.
Identifiers: ClinVar variation 180799 (VCV000180799.3), dbSNP rs730880421, ClinGen allele CA295944.